The following is an entry in ClinVar:

NM_017514.5(PLXNA3):c.1248C>T (p.Ser416=)

Gene: PLXNA3 (plexin A3; plus strand). Cytogenetic location: Xq28.
Variant type: single nucleotide variant.
Coding change: c.1248C>T on transcript NM_017514.5 (MANE Select); coding-DNA position 1248, C replaced by T.
Protein change: p.Ser416=; no amino-acid change (serine 416 retained).
Molecular consequence: synonymous variant.
Genome position (GRCh38, 1-based): chrX:154,462,241, C>T. VCF-style: chrX-154462241-C-T. GRCh37 (hg19) VCF-style: chrX-153690581-C-T.
Identifiers: ClinVar variation 3356873 (VCV003356873.1).

ClinVar aggregate classification (germline): Likely benign (0 of 4 stars; one submission).

Conditions:
PLXNA3-related disorder. Also called: PLXNA3-related condition.

Submission:

PreventionGenetics, part of Exact Sciences
Classification: Likely benign for PLXNA3-related condition. Last evaluated: 2023-07-12. Review status: no assertion criteria provided. Collection method: clinical testing. Allele origin: germline.
Comment: This variant is classified as likely benign based on ACMG/AMP sequence variant interpretation guidelines (Richards et al. 2015 PMID: 25741868, with internal and published modifications).